The following is an entry in ClinVar:

NM_001145809.2(MYH14):c.5678+1G>A

Gene: MYH14 (myosin heavy chain 14; plus strand). Cytogenetic location: 19q13.33.
Variant type: single nucleotide variant.
Coding change: c.5678+1G>A on transcript NM_001145809.2 (MANE Select); the canonical splice donor site of the intron after coding-DNA position 5678, G replaced by A.
Molecular consequence: splice donor variant.
Genome position (GRCh38, 1-based): chr19:50,301,870, G>A. VCF-style: chr19-50301870-G-A. GRCh37 (hg19) VCF-style: chr19-50805127-G-A.
Other names: c.5579+1G>A (NM_001077186.2); c.5555+1G>A (NM_024729.4).
Identifiers: ClinVar variation 2635236 (VCV002635236.1), dbSNP rs1293147117, ClinGen allele CA406965218.

ClinVar aggregate classification (germline): Uncertain significance (1 of 4 stars; one submission).

Conditions:
MYH14-related disorder. Also called: MYH14-related condition.

Allele frequency attached by ClinVar (database versions not stated): gnomAD exomes below 0.00001.
gnomAD v4.1: 4 of 1,608,024 alleles (0.00025%); highest among the groups gnomAD compares: Non-Finnish European, 0.00034%; no homozygotes.

Submission:

PreventionGenetics, part of Exact Sciences
Classification: Uncertain significance for MYH14-related condition. Last evaluated: 2022-11-09. Review status: criteria provided, single submitter. Criteria: ACMG Guidelines, 2015. Collection method: clinical testing. Allele origin: germline.
Comment: The MYH14 c.5678+1G>A variant is predicted to disrupt the GT donor site and interfere with normal splicing. To our knowledge, this variant has not been reported in the literature or in a large population database, indicating this variant is rare. At this time, the clinical significance of this variant is uncertain due to the absence of conclusive functional and genetic evidence.